The following is an entry in ClinVar:

ClinVar aggregate classification (germline): Uncertain significance. Review status: criteria provided, multiple submitters, no conflicts (2 of 4 stars). 4 submissions from 4 submitters: Uncertain significance (4). Last evaluated 2025-01-22.

Conditions:
Inborn genetic diseases. Identifiers: MedGen C0950123, MeSH D030342.
PLEC-related disorder. Also called: PLEC-related disorders; PLEC-related condition.
Epidermolysis bullosa simplex, Ogna type (EBS5A). Also called: Pidermolysis bullosa simplex 5A, Ogna type; EPIDERMOLYSIS BULLOSA SIMPLEX 5A, OGNA TYPE. Identifiers: Orphanet 79401, MedGen C0432317, MONDO:0007555, OMIM 131950.
Epidermolysis bullosa simplex 5B, with muscular dystrophy (EBS5B). Also called: Epidermolysis bullosa simplex with muscular dystrophy; EPIDERMOLYSIS BULLOSA SIMPLEX AND LIMB-GIRDLE MUSCULAR DYSTROPHY. Identifiers: Orphanet 257, MedGen C2931072, MONDO:0009181, OMIM 226670.
Epidermolysis bullosa simplex with nail dystrophy (EBS5D). Identifiers: MedGen C4225309, MONDO:0014661, OMIM 616487.
Autosomal recessive limb-girdle muscular dystrophy type 2Q (LGMDR17). Also called: MUSCULAR DYSTROPHY, LIMB-GIRDLE, AUTOSOMAL RECESSIVE 17. Identifiers: Orphanet 254361, MedGen C3150989, MONDO:0013390, OMIM 613723.
Epidermolysis bullosa simplex 5C, with pyloric atresia (EBS5C). Also called: PLEC-Related Epidermolysis Bullosa with Pyloric Atresia; Epidermolysis bullosa simplex with pyloric atresia; PLEC1-Related Epidermolysis Bullosa with Pyloric Atresia. Identifiers: Orphanet 158684, MedGen C2677349, MONDO:0012807, OMIM 612138.

Allele frequency attached by ClinVar (database versions not stated): gnomAD exomes 0.00005; ExAC 0.00006; TOPMed 0.00010; gnomAD 0.00014.
gnomAD v4.1: 55 of 1,559,290 alleles (0.0035%); highest among the groups gnomAD compares: Admixed American, 0.031%; no homozygotes.

Submissions (4):

PreventionGenetics, part of Exact Sciences
Classification: Uncertain significance for PLEC-related condition. Last evaluated: 2025-01-22. Review status: criteria provided, single submitter. Criteria: ACMG Guidelines, 2015. Collection method: clinical testing. Allele origin: germline.
Comment: The PLEC c.6341G>A variant is predicted to result in the amino acid substitution p.Arg2114Gln. To our knowledge, this variant has not been reported in the literature. This variant is reported in 0.016% of alleles in individuals of South Asian descent in gnomAD. At this time, the clinical significance of this variant is uncertain due to the absence of conclusive functional and genetic evidence.

Revvity Omics, Revvity
Classification: Uncertain significance. Last evaluated: 2024-12-27. Review status: criteria provided, single submitter. Criteria: ACMG Guidelines, 2015. Collection method: clinical testing. Allele origin: germline.

Labcorp Genetics (formerly Invitae), Labcorp
Classification: Uncertain significance for Autosomal recessive limb-girdle muscular dystrophy type 2Q; Epidermolysis bullosa simplex, Ogna type; Epidermolysis bullosa simplex with nail dystrophy; Epidermolysis bullosa simplex 5C, with pyloric atresia; Epidermolysis bullosa simplex 5B, with muscular dystrophy. Last evaluated: 2024-02-18. Review status: criteria provided, single submitter. Criteria: Invitae Variant Classification Sherloc (09022015). Collection method: clinical testing. Allele origin: germline.
Comment: This sequence change replaces arginine, which is basic and polar, with glutamine, which is neutral and polar, at codon 2114 of the PLEC protein (p.Arg2114Gln). This variant is present in population databases (rs782091020, gnomAD 0.02%). This variant has not been reported in the literature in individuals affected with PLEC-related conditions. ClinVar contains an entry for this variant (Variation ID: 538967). An algorithm developed to predict the effect of missense changes on protein structure and function (PolyPhen-2) suggests that this variant is likely to be tolerated. In summary, the available evidence is currently insufficient to determine the role of this variant in disease. Therefore, it has been classified as a Variant of Uncertain Significance.

Ambry Genetics
Classification: Uncertain significance for Inborn genetic diseases. Last evaluated: 2021-10-20. Review status: criteria provided, single submitter. Criteria: Ambry Variant Classification Scheme 2023. Collection method: clinical testing. Allele origin: germline.

NM_201384.3(PLEC):c.6260G>A (p.Arg2087Gln)

Gene: PLEC (plectin; minus strand). Cytogenetic location: 8q24.3.
Variant type: single nucleotide variant.
Coding change: c.6260G>A on transcript NM_201384.3 (MANE Select); coding-DNA position 6260, G replaced by A.
Protein change: p.Arg2087Gln; replaces arginine 2087 with glutamine.
Molecular consequence: missense variant.
Genome position (GRCh38, 1-based): chr8:143,923,669, C>T on the plus strand (G>A on the coding strand, the complement: PLEC is on the minus strand). VCF-style: chr8-143923669-C-T. GRCh37 (hg19) VCF-style: chr8-144997837-C-T.
Other names: c.6341G>A, p.Arg2114Gln (NM_000445.5); c.6218G>A, p.Arg2073Gln (NM_201378.4); c.6194G>A, p.Arg2065Gln (NM_201379.3); c.6671G>A, p.Arg2224Gln (NM_201380.4); c.6164G>A, p.Arg2055Gln (NM_201381.3); c.6260G>A, p.Arg2087Gln (NM_201382.4); c.6272G>A, p.Arg2091Gln (NM_201383.3); c.6341G>A (NM_000445.3); short protein forms R2091Q, R2065Q, R2073Q, R2087Q, R2114Q, R2224Q, R2055Q.
Identifiers: ClinVar variation 538967 (VCV000538967.9), dbSNP rs782091020, ClinGen allele CA4926063.
Genomic context (GRCh38, chr8:143,923,669, plus strand): 5'-GACTGCGCCGCCTCACGCTCCGCCTGCACCCGGGCCTCCTCCGCCTCCTCAGCCGCCCGC[C>T]GGGCCGCCTCCGCCTCGCCGCGCAGCTGGTCCAGCACGCTCTGCTCCTGCTGCAGCGTCT-3'
Protein context (NP_958786.1, residues 2077-2097): DQLRGEAEAA[Arg2087Gln]RAAEEAEEAR